The following is an entry in ClinVar:

NM_001134831.2(AHI1):c.2372A>G (p.Lys791Arg)

Gene: AHI1 (Abelson helper integration site 1; minus strand). Cytogenetic location: 6q23.3.
Variant type: single nucleotide variant.
Coding change: c.2372A>G on transcript NM_001134831.2 (MANE Select); coding-DNA position 2372, A replaced by G.
Protein change: p.Lys791Arg; replaces lysine 791 with arginine.
Molecular consequence: missense variant.
Genome position (GRCh38, 1-based): chr6:135,431,209, T>C on the plus strand (A>G on the coding strand, the complement: AHI1 is on the minus strand). VCF-style: chr6-135431209-T-C. GRCh37 (hg19) VCF-style: chr6-135752347-T-C.
Other names: c.2372A>G, p.Lys791Arg (NM_001134830.2, NM_001134832.2, NM_001350503.2 and 2 more transcripts); short protein forms K791R.
Identifiers: ClinVar variation 2016565 (VCV002016565.4), dbSNP rs1784607393, ClinGen allele CA365743100.
Genomic context (GRCh38, chr6:135,431,209, plus strand): 5'-TGATTGGATTTTTCCAACTTCTTTAATTAAATCCCAAAATATAAAATATGATTTTATACC[T>C]TATTTATAGTCCAGTGGTGCACTGAATGTTCCAAATCATTAATCTTGACATAGGTATTCC-3'
Protein context (NP_001128303.1, residues 781-801): EHSVHHWTIN[Lys791Arg]EIKETEFKGI

ClinVar aggregate classification (germline): Uncertain significance (1 of 4 stars; one submission).

Conditions:
Joubert syndrome. Also called: CEREBELLOPARENCHYMAL DISORDER IV; JOUBERT-BOLTSHAUSER SYNDROME; Familial aplasia of the vermis. Identifiers: Orphanet 475, MedGen C5979921, MONDO:0018772.

Allele frequency attached by ClinVar (database versions not stated): gnomAD exomes below 0.00001.
gnomAD v4.1: 1 of 1,560,744 alleles (0.000064%); highest among the groups gnomAD compares: Non-Finnish European, 0.000087%; no homozygotes.

Submission:

Labcorp Genetics (formerly Invitae), Labcorp
Classification: Uncertain significance for Joubert syndrome. Last evaluated: 2022-07-13. Review status: criteria provided, single submitter. Criteria: Invitae Variant Classification Sherloc (09022015). Collection method: clinical testing. Allele origin: germline.
Comment: This sequence change replaces lysine, which is basic and polar, with arginine, which is basic and polar, at codon 791 of the AHI1 protein (p.Lys791Arg). This variant is not present in population databases (gnomAD no frequency). This variant has not been reported in the literature in individuals affected with AHI1-related conditions. Algorithms developed to predict the effect of missense changes on protein structure and function (SIFT, PolyPhen-2, Align-GVGD) all suggest that this variant is likely to be tolerated. Algorithms developed to predict the effect of sequence changes on RNA splicing suggest that this variant may disrupt the consensus splice site. In summary, the available evidence is currently insufficient to determine the role of this variant in disease. Therefore, it has been classified as a Variant of Uncertain Significance.